The following is an entry in ClinVar:

ClinVar aggregate classification (germline): Uncertain significance. Review status: criteria provided, multiple submitters, no conflicts (2 of 4 stars). 4 submissions from 4 submitters: Uncertain significance (4). Last evaluated 2024-03-07.

Conditions:
Cardiovascular phenotype. Identifiers: MedGen CN230736.
Long QT syndrome (LQTS). Identifiers: MedGen C0023976, MeSH D008133, MONDO:0002442. Disease mechanism: loss of function. Inheritance: Various modes of inheritance.
Catecholaminergic polymorphic ventricular tachycardia 1. Also called: VENTRICULAR TACHYCARDIA, CATECHOLAMINERGIC POLYMORPHIC, 1, WITH OR WITHOUT ATRIAL DYSFUNCTION AND/OR DILATED CARDIOMYOPATHY; RYR2-Related Catecholaminergic Polymorphic Ventricular Tachycardia; VENTRICULAR TACHYCARDIA, STRESS-INDUCED POLYMORPHIC 1. Identifiers: Orphanet 3286, MedGen C1631597, MONDO:0011484, OMIM 604772.
Cardiomyopathy (CMYO). Also called: Cardiomyopathies. Identifiers: Orphanet 167848, MedGen C0878544, MONDO:0004994, HP:0001638. Inheritance: Various modes of inheritance.

Allele frequency attached by ClinVar (database versions not stated): gnomAD exomes below 0.00001.
gnomAD v4.1: 2 of 1,606,522 alleles (0.00012%); highest among the groups gnomAD compares: Non-Finnish European, 0.00017%; no homozygotes.

Submissions (4):

Color Diagnostics, LLC DBA Color Health
Classification: Uncertain significance for Cardiomyopathy. Last evaluated: 2024-03-07. Review status: criteria provided, single submitter. Criteria: ACMG Guidelines, 2015. Collection method: clinical testing. Allele origin: germline.
Comment: This missense variant replaces tyrosine with cysteine at codon 3131 of the RYR2 protein. Computational prediction tool is inconclusive regarding the impact of this variant on protein structure and function (internally defined REVEL score threshold 0.5 < inconclusive < 0.7, PMID: 27666373). Splice site prediction tools suggest that this variant may not impact RNA splicing. To our knowledge, functional studies have not been performed for this variant. This variant has not been reported in individuals affected with cardiovascular disorders in the literature. This variant has been identified in 1/248428 chromosomes in the general population by the Genome Aggregation Database (gnomAD). The available evidence is insufficient to determine the role of this variant in disease conclusively. Therefore, this variant is classified as a Variant of Uncertain Significance.

Dept of Medical Biology, Uskudar University
Classification: Uncertain significance for Long QT syndrome. Last evaluated: 2024-01-08. Review status: criteria provided, single submitter. Criteria: Dept of Medical Biology Variant Classification. Collection method: research. Allele origin: biparental. Affected: yes. Observed: 1 variant allele.
Comment: Criteria: PM2, PP2, PP3

Labcorp Genetics (formerly Invitae), Labcorp
Classification: Uncertain significance for Catecholaminergic polymorphic ventricular tachycardia 1. Last evaluated: 2022-10-10. Review status: criteria provided, single submitter. Criteria: Invitae Variant Classification Sherloc (09022015). Collection method: clinical testing. Allele origin: germline.
Comment: Advanced modeling of protein sequence and biophysical properties (such as structural, functional, and spatial information, amino acid conservation, physicochemical variation, residue mobility, and thermodynamic stability) has been performed at Invitae for this missense variant, however the output from this modeling did not meet the statistical confidence thresholds required to predict the impact of this variant on RYR2 protein function. In summary, the available evidence is currently insufficient to determine the role of this variant in disease. Therefore, it has been classified as a Variant of Uncertain Significance. ClinVar contains an entry for this variant (Variation ID: 919217). This variant has not been reported in the literature in individuals affected with RYR2-related conditions. This variant is present in population databases (no rsID available, gnomAD 0.004%). This sequence change replaces tyrosine, which is neutral and polar, with cysteine, which is neutral and slightly polar, at codon 3131 of the RYR2 protein (p.Tyr3131Cys).

Ambry Genetics
Classification: Uncertain significance for Cardiovascular phenotype. Last evaluated: 2020-11-30. Review status: criteria provided, single submitter. Criteria: Ambry Variant Classification Scheme 2023. Collection method: clinical testing. Allele origin: germline.
Comment: The p.Y3131C variant (also known as c.9392A>G), located in coding exon 66 of the RYR2 gene, results from an A to G substitution at nucleotide position 9392. The tyrosine at codon 3131 is replaced by cysteine, an amino acid with highly dissimilar properties. This amino acid position is highly conserved in available vertebrate species. In addition, this alteration is predicted to be deleterious by in silico analysis. Since supporting evidence is limited at this time, the clinical significance of this alteration remains unclear.

NM_001035.3(RYR2):c.9392A>G (p.Tyr3131Cys)

Gene: RYR2 (ryanodine receptor 2; plus strand). Cytogenetic location: 1q43.
Variant type: single nucleotide variant.
Coding change: c.9392A>G on transcript NM_001035.3 (MANE Select); coding-DNA position 9392, A replaced by G.
Protein change: p.Tyr3131Cys; replaces tyrosine 3131 with cysteine.
Molecular consequence: missense variant.
Genome position (GRCh38, 1-based): chr1:237,702,002, A>G. VCF-style: chr1-237702002-A-G. GRCh37 (hg19) VCF-style: chr1-237865302-A-G.
Other names: c.9392A>G (NM_001035.2); short protein forms Y3131C.
Identifiers: ClinVar variation 919217 (VCV000919217.15), dbSNP rs1342384519, ClinGen allele CA345406337.
Genomic context (GRCh38, chr1:237,702,002, plus strand): 5'-GGTTTTTCTTTCAAGTGAGATTCTCTTTTTCCTTAGTGGAAGATGTCCAGGTGTCTTGTT[A>G]TAGAATTCTGACTAGCTTATATGCTTTGGGAACCAGCAAGAGTATTTACGTGGAGAGGTA-3'
Protein context (NP_001026.2, residues 3121-3141): LILEDVQVSC[Tyr3131Cys]RILTSLYALG